The following is an entry in ClinVar:

ClinVar aggregate classification (germline): Conflicting classifications of pathogenicity. Review status: criteria provided, conflicting classifications (1 of 4 stars). 5 submissions from 5 submitters: Uncertain significance (1); Likely benign (2). 2 of the submissions do not count toward it. Last evaluated 2025-11-27.

Conditions:
NOTCH1-related disorder. Also called: NOTCH1-related condition; NOTCH1-related disorders.
Shone complex. Identifiers: Orphanet 99063, MedGen C1868705, MONDO:0020404.
Familial thoracic aortic aneurysm and aortic dissection (TAAD). Also called: Thoracic aortic aneurysms and dissections. Identifiers: Orphanet 91387, MedGen C4707243, MONDO:0019625.
Adams-Oliver syndrome 5 (AOS5). Identifiers: Orphanet 974, MedGen C4014970, MONDO:0014459, OMIM 616028.

Allele frequency attached by ClinVar (database versions not stated): ExAC 0.00006; gnomAD exomes 0.00006 and 0.00011; ESP Exome Variant Server 0.00016; 1000 Genomes Project 0.00040; gnomAD 0.00059 and 0.00064; 1000 Genomes Project 30x 0.00062; TOPMed 0.00067.
gnomAD v4.1: 171 of 1,557,260 alleles (0.011%); highest among the groups gnomAD compares: African/African-American, 0.2%; no homozygotes.

Submissions (5):

Labcorp Genetics (formerly Invitae), Labcorp
Classification: Likely benign for Adams-Oliver syndrome 5. Last evaluated: 2025-11-27. Review status: criteria provided, single submitter. Criteria: Invitae Variant Classification Sherloc (09022015). Collection method: clinical testing. Allele origin: germline.

Ambry Genetics
Classification: Uncertain significance for Familial thoracic aortic aneurysm and aortic dissection. Last evaluated: 2025-09-07. Review status: criteria provided, single submitter. Criteria: Ambry Variant Classification Scheme 2023. Collection method: clinical testing. Allele origin: germline.
Comment: The p.R1633H variant (also known as c.4898G>A), located in coding exon 26 of the NOTCH1 gene, results from a G to A substitution at nucleotide position 4898. The arginine at codon 1633 is replaced by histidine, an amino acid with highly similar properties. This amino acid position is highly conserved in available vertebrate species. In addition, the in silico prediction for this alteration is inconclusive. Since supporting evidence is limited at this time, the clinical significance of this variant remains unclear.

GeneDx
Classification: Likely benign. Last evaluated: 2020-12-28. Review status: criteria provided, single submitter. Criteria: GeneDx Variant Classification Process June 2021. Collection method: clinical testing. Allele origin: germline. Affected: yes.
Comment: This variant is associated with the following publications: (PMID: 18593716)

PreventionGenetics, part of Exact Sciences
Classification: Likely benign for NOTCH1-related condition. Last evaluated: 2023-07-27. Review status: no assertion criteria provided. Collection method: clinical testing. Allele origin: germline. Not counted in ClinVar's aggregate classification.
Comment: This variant is classified as likely benign based on ACMG/AMP sequence variant interpretation guidelines (Richards et al. 2015 PMID: 25741868, with internal and published modifications).

Clinical Molecular Genetics Laboratory, Johns Hopkins All Children's Hospital
Classification: Uncertain significance for Shone complex. Last evaluated: 2016-03-18. Review status: no assertion criteria provided. Collection method: clinical testing. Allele origin: germline. Affected: yes. Not counted in ClinVar's aggregate classification.

NM_017617.5(NOTCH1):c.4898G>A (p.Arg1633His)

Gene: NOTCH1 (notch receptor 1; minus strand). Cytogenetic location: 9q34.3.
Variant type: single nucleotide variant.
Coding change: c.4898G>A on transcript NM_017617.5 (MANE Select); coding-DNA position 4898, G replaced by A.
Protein change: p.Arg1633His; replaces arginine 1633 with histidine.
Molecular consequence: missense variant.
Genome position (GRCh38, 1-based): chr9:136,504,793, C>T on the plus strand (G>A on the coding strand, the complement: NOTCH1 is on the minus strand). VCF-style: chr9-136504793-C-T. GRCh37 (hg19) VCF-style: chr9-139399245-C-T.
Other names: c.4898G>A, p.Arg1633His (LRG_1122t1); c.4898G>A (NM_017617.4); short protein forms R1633H.
Identifiers: ClinVar variation 429382 (VCV000429382.19), dbSNP rs375018022, ClinGen allele CA5340498.